The following is an entry in ClinVar:

NM_000350.3(ABCA4):c.66+81A>G

Gene: ABCA4 (ATP binding cassette subfamily A member 4; minus strand). Cytogenetic location: 1p22.1.
Variant type: single nucleotide variant.
Coding change: c.66+81A>G on transcript NM_000350.3 (MANE Select); 81 bases into the intron after coding-DNA position 66, A replaced by G.
Molecular consequence: intron variant.
Genome position (GRCh38, 1-based): chr1:94,120,899, T>C on the plus strand (A>G on the coding strand, the complement: ABCA4 is on the minus strand). VCF-style: chr1-94120899-T-C. GRCh37 (hg19) VCF-style: chr1-94586455-T-C.
Identifiers: ClinVar variation 678753 (VCV000678753.2), dbSNP rs74102103, ClinGen allele CA26845163.

ClinVar aggregate classification (germline): Benign. Review status: criteria provided, multiple submitters, no conflicts (2 of 4 stars). 2 submissions from 2 submitters: Benign (2). Last evaluated 2018-06-19.

Allele frequency attached by ClinVar (database versions not stated): gnomAD 0.19939 and 0.21036.

Submissions (2):

GeneDx
Classification: Benign. Last evaluated: 2018-06-19. Review status: criteria provided, single submitter. Criteria: GeneDx Variant Classification (06012015). Collection method: clinical testing. Allele origin: germline. Affected: yes.
Comment: This variant is considered likely benign or benign based on one or more of the following criteria: it is a conservative change, it occurs at a poorly conserved position in the protein, it is predicted to be benign by multiple in silico algorithms, and/or has population frequency not consistent with disease.

Breakthrough Genomics
Classification: Benign. Review status: criteria provided, single submitter. Criteria: ACMG Guidelines, 2015. Collection method: not provided. Allele origin: germline. Inheritance: Autosomal recessive inheritance. Affected: yes.